The following is an entry in ClinVar:

NM_000416.3(IFNGR1):c.503A>G (p.Tyr168Cys)

Gene: IFNGR1 (interferon gamma receptor 1; minus strand). Cytogenetic location: 6q23.3.
Variant type: single nucleotide variant.
Coding change: c.503A>G on transcript NM_000416.3 (MANE Select); coding-DNA position 503, A replaced by G.
Protein change: p.Tyr168Cys; replaces tyrosine 168 with cysteine.
Molecular consequence: missense variant.
Genome position (GRCh38, 1-based): chr6:137,204,375, T>C on the plus strand (A>G on the coding strand, the complement: IFNGR1 is on the minus strand). VCF-style: chr6-137204375-T-C. GRCh37 (hg19) VCF-style: chr6-137525512-T-C.
Other names: c.473A>G, p.Tyr158Cys (NM_001363526.1); c.380A>G, p.Tyr127Cys (NM_001363527.1); short protein forms Y127C, Y158C, Y168C.
Identifiers: ClinVar variation 4750360 (VCV004750360.1).
Genomic context (GRCh38, chr6:137,204,375, plus strand): 5'-AAATGTGAAACACATACCTCACTTCCGTTCATTCTCACATACACATTGTACACCCTAATG[T>C]AACAGGTAGTTTCGGGATCATAATCGACTTCCTGCTCGTCTCCATTTACAAAAACTGAAG-3'
Protein context (NP_000407.1, residues 158-178): EVDYDPETTC[Tyr168Cys]IRVYNVYVRM

ClinVar aggregate classification (germline): Uncertain significance (1 of 4 stars; one submission).

Conditions:
Disseminated atypical mycobacterial infection. Identifiers: MedGen C0694566.

gnomAD v4.1: 4 of 1,614,004 alleles (0.00025%); highest among the groups gnomAD compares: South Asian, 0.0044%; no homozygotes.

Submission:

Labcorp Genetics (formerly Invitae), Labcorp
Classification: Uncertain significance for Disseminated atypical mycobacterial infection. Last evaluated: 2025-09-01. Review status: criteria provided, single submitter. Criteria: Invitae Variant Classification Sherloc (09022015). Collection method: clinical testing. Allele origin: germline.
Comment: This sequence change replaces tyrosine, which is neutral and polar, with cysteine, which is neutral and slightly polar, at codon 168 of the IFNGR1 protein (p.Tyr168Cys). This variant is present in population databases (no rsID available, gnomAD 0.006%). This variant has not been reported in the literature in individuals affected with IFNGR1-related conditions. Invitae Evidence Modeling of protein sequence and biophysical properties (such as structural, functional, and spatial information, amino acid conservation, physicochemical variation, residue mobility, and thermodynamic stability) indicates that this missense variant is not expected to disrupt IFNGR1 protein function with a negative predictive value of 80%. In summary, the available evidence is currently insufficient to determine the role of this variant in disease. Therefore, it has been classified as a Variant of Uncertain Significance.